The following is an entry in ClinVar:

ClinVar aggregate classification (germline): Uncertain significance. Review status: criteria provided, multiple submitters, no conflicts (2 of 4 stars). 2 submissions from 2 submitters: Uncertain significance (2). Last evaluated 2022-10-05.

Conditions:
Neuropathy, hereditary sensory and autonomic, type 2A (HSAN2A). Also called: HSAN IIA; ACROOSTEOLYSIS, GIACCAI TYPE; ACROOSTEOLYSIS, NEUROGENIC; WNK1-Related HSAN2 (HSAN2A); MORVAN DISEASE; NEUROPATHY, CONGENITAL SENSORY. Identifiers: Orphanet 970, MedGen C2752089, MONDO:0024309, OMIM 201300.
Generalized epilepsy with febrile seizures plus, type 7 (GEFSP7). Also called: GEFS+, TYPE 7. Identifiers: Orphanet 36387, MedGen C2751778, MONDO:0013470, OMIM 613863.

Allele frequency attached by ClinVar (database versions not stated): gnomAD 0.00001; TOPMed 0.00001.

Submissions (2):

Labcorp Genetics (formerly Invitae), Labcorp
Classification: Uncertain significance for Neuropathy, hereditary sensory and autonomic, type 2A; Generalized epilepsy with febrile seizures plus, type 7. Last evaluated: 2022-10-05. Review status: criteria provided, single submitter. Criteria: Invitae Variant Classification Sherloc (09022015). Collection method: clinical testing. Allele origin: germline.
Comment: In summary, the available evidence is currently insufficient to determine the role of this variant in disease. Therefore, it has been classified as a Variant of Uncertain Significance. Advanced modeling of protein sequence and biophysical properties (such as structural, functional, and spatial information, amino acid conservation, physicochemical variation, residue mobility, and thermodynamic stability) performed at Invitae indicates that this missense variant is not expected to disrupt SCN9A protein function. ClinVar contains an entry for this variant (Variation ID: 578316). This variant has not been reported in the literature in individuals affected with SCN9A-related conditions. The frequency data for this variant in the population databases is considered unreliable, as metrics indicate poor data quality at this position in the gnomAD database. This sequence change replaces phenylalanine, which is neutral and non-polar, with leucine, which is neutral and non-polar, at codon 761 of the SCN9A protein (p.Phe761Leu).

GeneDx
Classification: Uncertain significance. Last evaluated: 2022-07-11. Review status: criteria provided, single submitter. Criteria: GeneDx Variant Classification Process June 2021. Collection method: clinical testing. Allele origin: germline. Affected: yes.
Comment: Not observed at significant frequency in large population cohorts (gnomAD); In silico analysis supports that this missense variant has a deleterious effect on protein structure/function; Has not been previously published as pathogenic or benign to our knowledge

NM_001365536.1(SCN9A):c.2316C>A (p.Phe772Leu)

Genes: SCN9A (sodium voltage-gated channel alpha subunit 9; minus strand), SCN1A-AS1 (SCN1A and SCN9A antisense RNA 1; plus strand). Cytogenetic location: 2q24.3.
Variant type: single nucleotide variant.
Coding change: c.2316C>A on transcript NM_001365536.1 (MANE Select); coding-DNA position 2316, C replaced by A.
Protein change: p.Phe772Leu; replaces phenylalanine 772 with leucine.
Molecular consequence: missense variant.
Genome position (GRCh38, 1-based): chr2:166,280,384, G>T on the plus strand (C>A on the coding strand, the complement: SCN9A is on the minus strand). VCF-style: chr2-166280384-G-T. GRCh37 (hg19) VCF-style: chr2-167136894-G-T.
Other names: c.2283C>A, p.Phe761Leu (NM_002977.4); short protein forms F761L, F772L.
Identifiers: ClinVar variation 578316 (VCV000578316.12), dbSNP rs774613581, ClinGen allele CA59796551.
Genomic context (GRCh38, chr2:166,280,384, plus strand): 5'-CTATGAGTACATAACACACAATAAGAGACTTACCAAATTTCCTATAGCAAGTACATTTTT[G>T]AATTCCTCAGTCATTGGGTGGTGTTCCATAGCCATAAATAATGTGTTTAAAACTATGCAA-3'
Protein context (NP_001352465.1, residues 762-782): AMEHHPMTEE[Phe772Leu]KNVLAIGNLV